The following is an entry in ClinVar:

ClinVar aggregate classification (germline): Uncertain significance (1 of 4 stars; one submission).

Conditions:
Holoprosencephaly 3 (HPE3). Identifiers: Orphanet 2162, MedGen C1840529, MONDO:0007733, OMIM 142945.

Submission:

Labcorp Genetics (formerly Invitae), Labcorp
Classification: Uncertain significance for Holoprosencephaly 3. Last evaluated: 2026-01-27. Review status: criteria provided, single submitter. Criteria: Invitae Variant Classification Sherloc (09022015). Collection method: clinical testing. Allele origin: germline.
Comment: This sequence change replaces glycine, which is neutral and non-polar, with alanine, which is neutral and non-polar, at codon 427 of the SHH protein (p.Gly427Ala). This variant is not present in population databases (gnomAD no frequency). This variant has not been reported in the literature in individuals affected with SHH-related conditions. Invitae Evidence Modeling of protein sequence and biophysical properties (such as structural, functional, and spatial information, amino acid conservation, physicochemical variation, residue mobility, and thermodynamic stability) indicates that this missense variant is not expected to disrupt SHH protein function with a negative predictive value of 80%. In summary, the available evidence is currently insufficient to determine the role of this variant in disease. Therefore, it has been classified as a Variant of Uncertain Significance.

NM_000193.4(SHH):c.1280G>C (p.Gly427Ala)

Gene: SHH (sonic hedgehog signaling molecule; minus strand). Cytogenetic location: 7q36.3.
Variant type: single nucleotide variant.
Coding change: c.1280G>C on transcript NM_000193.4 (MANE Select); coding-DNA position 1280, G replaced by C.
Protein change: p.Gly427Ala; replaces glycine 427 with alanine.
Molecular consequence: missense variant. On other transcripts: intron variant (1).
Genome position (GRCh38, 1-based): chr7:155,803,009, C>G on the plus strand (G>C on the coding strand, the complement: SHH is on the minus strand). VCF-style: chr7-155803009-C-G. GRCh37 (hg19) VCF-style: chr7-155595703-C-G.
Other names: c.302-2764G>C (NM_001310462.2); short protein forms G427A.
Identifiers: ClinVar variation 4742077 (VCV004742077.1).
Genomic context (GRCh38, chr7:155,803,009, plus strand): 5'-AGGAGCCAGGTGCCTATTTGGTAGAGCAGCTGCGAGTACCAGTGGATGCCCGCGGTGGCC[C>G]CCGCACCCGGAGCGTCGGCAGCACCTGGAGCGGTTAGGGCTACTCTGCCGCCGCCGCCCC-3'
Protein context (NP_000184.1, residues 417-437): APGAADAPGA[Gly427Ala]ATAGIHWYSQ